The following is an entry in ClinVar:

ClinVar aggregate classification (germline): Conflicting classifications of pathogenicity. Review status: criteria provided, conflicting classifications (1 of 4 stars). 7 submissions from 7 submitters: Uncertain significance (2); Likely benign (2). 3 of the submissions do not count toward it. Last evaluated 2026-01-24.

Conditions:
Alport syndrome. Also called: Hemorrhagic familial nephritis; Hemorrhagic hereditary nephritis; Congenital hereditary hematuria. Identifiers: Orphanet 63, MedGen C1567741, MONDO:0018965.
COL4A4-related disorder.

Allele frequency attached by ClinVar (database versions not stated): TOPMed 0.00046; ExAC 0.00047; gnomAD exomes 0.00050 and 0.00037; ESP Exome Variant Server 0.00084; gnomAD 0.00043 and 0.00044.
gnomAD v4.1: 799 of 1,612,888 alleles (0.05%); highest among the groups gnomAD compares: Non-Finnish European, 0.062%; 1 homozygote.

Submissions (7):

Labcorp Genetics (formerly Invitae), Labcorp
Classification: Likely benign. Last evaluated: 2026-01-24. Review status: criteria provided, single submitter. Criteria: Invitae Variant Classification Sherloc (09022015). Collection method: clinical testing. Allele origin: germline.

Blueprint Genetics
Classification: Uncertain significance. Last evaluated: 2024-10-07. Review status: criteria provided, single submitter. Criteria: ACMG Guidelines, 2015. Collection method: clinical testing. Allele origin: germline.

GeneDx
Classification: Likely benign. Last evaluated: 2020-10-16. Review status: criteria provided, single submitter. Criteria: GeneDx Variant Classification Process June 2021. Collection method: clinical testing. Allele origin: germline. Affected: yes.

Illumina Laboratory Services, Illumina
Classification: Uncertain significance for Alport syndrome. Last evaluated: 2018-01-12. Review status: criteria provided, single submitter. Criteria: ICSL Variant Classification Criteria 13 December 2019. Collection method: clinical testing. Allele origin: germline.

PreventionGenetics, part of Exact Sciences
Classification: Likely benign for COL4A4-related condition. Last evaluated: 2022-02-28. Review status: no assertion criteria provided. Collection method: clinical testing. Allele origin: germline. Not counted in ClinVar's aggregate classification.
Comment: This variant is classified as likely benign based on ACMG/AMP sequence variant interpretation guidelines (Richards et al. 2015 PMID: 25741868, with internal and published modifications).

Clinical Genetics DNA and cytogenetics Diagnostics Lab, Erasmus MC, Erasmus Medical Center
Classification: Likely benign. Review status: no assertion criteria provided. Collection method: clinical testing. Allele origin: germline. Affected: yes. Study: VKGL Data-share Consensus. Not counted in ClinVar's aggregate classification.

Joint Genome Diagnostic Labs from Nijmegen and Maastricht, Radboudumc and MUMC+
Classification: Likely benign. Review status: no assertion criteria provided. Collection method: clinical testing. Allele origin: germline. Affected: yes. Study: VKGL Data-share Consensus. Not counted in ClinVar's aggregate classification.

NM_000092.5(COL4A4):c.1205-9A>G

Gene: COL4A4 (collagen type IV alpha 4 chain; minus strand). Cytogenetic location: 2q36.3.
Variant type: single nucleotide variant.
Coding change: c.1205-9A>G on transcript NM_000092.5 (MANE Select); 9 bases into the intron before coding-DNA position 1205, A replaced by G.
Molecular consequence: intron variant.
Genome position (GRCh38, 1-based): chr2:227,094,298, T>C on the plus strand (A>G on the coding strand, the complement: COL4A4 is on the minus strand). VCF-style: chr2-227094298-T-C. GRCh37 (hg19) VCF-style: chr2-227959014-T-C.
Identifiers: ClinVar variation 508606 (VCV000508606.24), dbSNP rs370706928, ClinGen allele CA2145244.